The following is an entry in ClinVar:

NM_003737.4(DCHS1):c.1162A>G (p.Ile388Val)

Gene: DCHS1 (dachsous cadherin-related 1; minus strand). Cytogenetic location: 11p15.4.
Variant type: single nucleotide variant.
Coding change: c.1162A>G on transcript NM_003737.4 (MANE Select); coding-DNA position 1162, A replaced by G.
Protein change: p.Ile388Val; replaces isoleucine 388 with valine.
Molecular consequence: missense variant.
Genome position (GRCh38, 1-based): chr11:6,640,452, T>C on the plus strand (A>G on the coding strand, the complement: DCHS1 is on the minus strand). VCF-style: chr11-6640452-T-C. GRCh37 (hg19) VCF-style: chr11-6661683-T-C.
Other names: short protein forms I388V.
Identifiers: ClinVar variation 2819931 (VCV002819931.3), dbSNP rs1267654443, ClinGen allele CA379436357.

ClinVar aggregate classification (germline): Uncertain significance (1 of 4 stars; one submission).

Allele frequency attached by ClinVar (database versions not stated): gnomAD exomes below 0.00001.
gnomAD v4.1: 1 of 1,613,826 alleles (0.000062%); highest among the groups gnomAD compares: Non-Finnish European, 0.000085%; no homozygotes.

Submission:

Labcorp Genetics (formerly Invitae), Labcorp
Classification: Uncertain significance. Last evaluated: 2022-12-10. Review status: criteria provided, single submitter. Criteria: Invitae Variant Classification Sherloc (09022015). Collection method: clinical testing. Allele origin: germline.
Comment: This variant is present in population databases (no rsID available, gnomAD 0.0009%). This sequence change replaces isoleucine, which is neutral and non-polar, with valine, which is neutral and non-polar, at codon 388 of the DCHS1 protein (p.Ile388Val). This variant has not been reported in the literature in individuals affected with DCHS1-related conditions. Advanced modeling of protein sequence and biophysical properties (such as structural, functional, and spatial information, amino acid conservation, physicochemical variation, residue mobility, and thermodynamic stability) performed at Invitae indicates that this missense variant is not expected to disrupt DCHS1 protein function. In summary, the available evidence is currently insufficient to determine the role of this variant in disease. Therefore, it has been classified as a Variant of Uncertain Significance.